The following is an entry in ClinVar:

NM_000222.3(KIT):c.557G>A (p.Cys186Tyr)

Gene: KIT (KIT proto-oncogene, receptor tyrosine kinase; plus strand). Cytogenetic location: 4q12.
Variant type: single nucleotide variant.
Coding change: c.557G>A on transcript NM_000222.3 (MANE Select); coding-DNA position 557, G replaced by A.
Protein change: p.Cys186Tyr; replaces cysteine 186 with tyrosine.
Molecular consequence: missense variant.
Genome position (GRCh38, 1-based): chr4:54,698,503, G>A. VCF-style: chr4-54698503-G-A. GRCh37 (hg19) VCF-style: chr4-55564669-G-A.
Other names: c.557G>A, p.Cys186Tyr (NM_001093772.2, NM_001385284.1, NM_001385285.1 and 4 more transcripts); short protein forms C186Y.
Identifiers: ClinVar variation 5023312 (VCV005023312.1).
Genomic context (GRCh38, chr4:54,698,503, plus strand): 5'-CCAAGGCGGGCATCATGATCAAAAGTGTGAAACGCGCCTACCATCGGCTCTGTCTGCATT[G>A]TTCTGTGGACCAGGAGGGCAAGTCAGTGCTGTCGGAAAAATTCATCCTGAAAGTGAGGCC-3'
Protein context (NP_000213.1, residues 176-196): KRAYHRLCLH[Cys186Tyr]SVDQEGKSVL

ClinVar aggregate classification (germline): Uncertain significance (1 of 4 stars; one submission).

Conditions:
Hereditary cancer-predisposing syndrome. Also called: Neoplastic Syndromes, Hereditary; Tumor predisposition; Hereditary neoplastic syndrome; Hereditary Cancer Syndrome. Identifiers: Orphanet 140162, MedGen C0027672, MeSH D009386, MONDO:0015356.

gnomAD v4.1: 1 of 1,614,186 alleles (0.000062%); highest among the groups gnomAD compares: Non-Finnish European, 0.000085%; no homozygotes.

Submission:

Ambry Genetics
Classification: Uncertain significance for Hereditary cancer-predisposing syndrome. Last evaluated: 2026-07-07. Review status: criteria provided, single submitter. Criteria: Ambry Variant Classification Scheme 2023. Collection method: clinical testing. Allele origin: germline.
Comment: The p.C186Y variant (also known as c.557G>A), located in coding exon 3 of the KIT gene, results from a G to A substitution at nucleotide position 557. The cysteine at codon 186 is replaced by tyrosine, an amino acid with highly dissimilar properties. This amino acid position is conserved. In addition, this alteration is predicted to be deleterious by in silico analysis. Based on the available evidence, the clinical significance of this variant remains unclear.